The following is an entry in ClinVar:

NM_145331.3(MAP3K7):c.328G>A (p.Gly110Ser)

Gene: MAP3K7 (mitogen-activated protein kinase kinase kinase 7; minus strand). Cytogenetic location: 6q15.
Variant type: single nucleotide variant.
Coding change: c.328G>A on transcript NM_145331.3 (MANE Select); coding-DNA position 328, G replaced by A.
Protein change: p.Gly110Ser; replaces glycine 110 with serine.
Molecular consequence: missense variant.
Genome position (GRCh38, 1-based): chr6:90,561,637, C>T on the plus strand (G>A on the coding strand, the complement: MAP3K7 is on the minus strand). VCF-style: chr6-90561637-C-T. GRCh37 (hg19) VCF-style: chr6-91271356-C-T.
Other names: c.328G>A, p.Gly110Ser (NM_003188.4, NM_145332.3, NM_145333.3); short protein forms G110S.
Identifiers: ClinVar variation 2034147 (VCV002034147.6), dbSNP rs886039235, ClinGen allele CA365015982.

ClinVar aggregate classification (germline): Pathogenic/Likely pathogenic. Review status: criteria provided, multiple submitters, no conflicts (2 of 4 stars). 2 submissions from 2 submitters: Pathogenic (1); Likely pathogenic (1). Last evaluated 2025-10-13.

Submissions (2):

Dasa
Classification: Likely pathogenic. Last evaluated: 2025-10-13. Review status: criteria provided, single submitter. Criteria: DASA Assertion Criteria. Collection method: clinical testing. Allele origin: germline.
Comment: NM_145331.3(MAP3K7):c.328G>A (p.Gly110Ser) is a missense variant that results in the substitution of glycine with serine. The affected residue or protein region has prior evidence supporting clinical relevance. This variant has been reported in individuals with MAP3K7-related disorders. Also, this variant is absent from population databases. Computational evidence supports a deleterious effect. Based on the currently available evidence, this variant is classified as likely pathogenic.

Labcorp Genetics (formerly Invitae), Labcorp
Classification: Pathogenic. Last evaluated: 2022-12-14. Review status: criteria provided, single submitter. Criteria: Invitae Variant Classification Sherloc (09022015). Collection method: clinical testing. Allele origin: germline.
Comment: For these reasons, this variant has been classified as Pathogenic. This variant disrupts the p.Gly110 amino acid residue in MAP3K7. Other variant(s) that disrupt this residue have been determined to be pathogenic (PMID: 27426734). This suggests that this residue is clinically significant, and that variants that disrupt this residue are likely to be disease-causing. Algorithms developed to predict the effect of missense changes on protein structure and function are either unavailable or do not agree on the potential impact of this missense change (SIFT: "Deleterious"; PolyPhen-2: "Probably Damaging"; Align-GVGD: "Class C0"). This missense change has been observed in individual(s) with clinical features of cardiospondylocarpofacial Syndrome (Invitae). In at least one individual the variant was observed to be de novo. This variant is not present in population databases (gnomAD no frequency). This sequence change replaces glycine, which is neutral and non-polar, with serine, which is neutral and polar, at codon 110 of the MAP3K7 protein (p.Gly110Ser).

Literature cited by the submitters: PubMed 27426734 (cited by Labcorp Genetics (formerly Invitae), Labcorp).